The following is an entry in ClinVar:

ClinVar aggregate classification (germline): Uncertain significance (1 of 4 stars; one submission).

Conditions:
Brachyolmia-amelogenesis imperfecta syndrome. Also called: Tooth agenesis, selective, 6; Dental anomalies and short stature; PLATYSPONDYLY WITH AMELOGENESIS IMPERFECTA. Identifiers: Orphanet 2899, MedGen C1832594, MONDO:0011018, OMIM 601216. Disease mechanism: loss of function.

Submission:

Labcorp Genetics (formerly Invitae), Labcorp
Classification: Uncertain significance for Brachyolmia-amelogenesis imperfecta syndrome. Last evaluated: 2022-05-30. Review status: criteria provided, single submitter. Criteria: Invitae Variant Classification Sherloc (09022015). Collection method: clinical testing. Allele origin: germline.
Comment: This sequence change replaces glutamine, which is neutral and polar, with leucine, which is neutral and non-polar, at codon 141 of the LTBP3 protein (p.Gln141Leu). This variant is not present in population databases (gnomAD no frequency). This variant has not been reported in the literature in individuals affected with LTBP3-related conditions. Algorithms developed to predict the effect of missense changes on protein structure and function are either unavailable or do not agree on the potential impact of this missense change (SIFT: "Deleterious"; PolyPhen-2: "Probably Damaging"; Align-GVGD: "Class C0"). Algorithms developed to predict the effect of sequence changes on RNA splicing suggest that this variant may disrupt the consensus splice site. In summary, the available evidence is currently insufficient to determine the role of this variant in disease. Therefore, it has been classified as a Variant of Uncertain Significance.

NM_001130144.3(LTBP3):c.422A>T (p.Gln141Leu)

Gene: LTBP3 (latent transforming growth factor beta binding protein 3; minus strand). Cytogenetic location: 11q13.1.
Variant type: single nucleotide variant.
Coding change: c.422A>T on transcript NM_001130144.3 (MANE Select); coding-DNA position 422, A replaced by T.
Protein change: p.Gln141Leu; replaces glutamine 141 with leucine.
Molecular consequence: missense variant.
Genome position (GRCh38, 1-based): chr11:65,554,290, T>A on the plus strand (A>T on the coding strand, the complement: LTBP3 is on the minus strand). VCF-style: chr11-65554290-T-A. GRCh37 (hg19) VCF-style: chr11-65321761-T-A.
Other names: c.71A>T, p.Gln24Leu (NM_001164266.1); c.422A>T, p.Gln141Leu (NM_021070.4); short protein forms Q141L, Q24L.
Identifiers: ClinVar variation 2000941 (VCV002000941.4), dbSNP rs2496178456, ClinGen allele CA381276642.